The following is an entry in ClinVar:

ClinVar aggregate classification (germline): Uncertain significance (1 of 4 stars; one submission).

Conditions:
Inborn genetic diseases. Identifiers: MedGen C0950123, MeSH D030342.

Allele frequency attached by ClinVar (database versions not stated): gnomAD exomes below 0.00001.
gnomAD v4.1: 1 of 1,613,708 alleles (0.000062%); highest among the groups gnomAD compares: Non-Finnish European, 0.000085%; no homozygotes.

Submission:

Ambry Genetics
Classification: Uncertain significance for Inborn genetic diseases. Last evaluated: 2023-10-13. Review status: criteria provided, single submitter. Criteria: Ambry Variant Classification Scheme 2023. Collection method: clinical testing. Allele origin: germline.
Comment: The p.N2382S variant (also known as c.7145A>G), located in coding exon 42 of the ATR gene, results from an A to G substitution at nucleotide position 7145. The asparagine at codon 2382 is replaced by serine, an amino acid with highly similar properties. This amino acid position is conserved. In addition, the in silico prediction for this alteration is inconclusive. Since supporting evidence is limited at this time, the clinical significance of this alteration remains unclear.

NM_001184.4(ATR):c.7145A>G (p.Asn2382Ser)

Gene: ATR (ATR checkpoint kinase; minus strand). Cytogenetic location: 3q23.
Variant type: single nucleotide variant.
Coding change: c.7145A>G on transcript NM_001184.4 (MANE Select); coding-DNA position 7145, A replaced by G.
Protein change: p.Asn2382Ser; replaces asparagine 2382 with serine.
Molecular consequence: missense variant.
Genome position (GRCh38, 1-based): chr3:142,461,987, T>C on the plus strand (A>G on the coding strand, the complement: ATR is on the minus strand). VCF-style: chr3-142461987-T-C. GRCh37 (hg19) VCF-style: chr3-142180829-T-C.
Other names: c.6953A>G, p.Asn2318Ser (NM_001354579.2); short protein forms N2318S, N2382S.
Identifiers: ClinVar variation 3221278 (VCV003221278.1), dbSNP rs2108265902, ClinGen allele CA354799356.